The following is an entry in ClinVar:

NM_007294.4(BRCA1):c.858G>A (p.Glu286=)

Gene: BRCA1 (BRCA1 DNA repair associated; minus strand). Cytogenetic location: 17q21.31.
Variant type: single nucleotide variant.
Coding change: c.858G>A on transcript NM_007294.4 (MANE Select); coding-DNA position 858, G replaced by A.
Protein change: p.Glu286=; no amino-acid change (glutamic acid 286 retained).
Molecular consequence: synonymous variant. On other transcripts: 5 prime UTR variant (2), intron variant (137).
Genome position (GRCh38, 1-based): chr17:43,094,673, C>T on the plus strand (G>A on the coding strand, the complement: BRCA1 is on the minus strand). VCF-style: chr17-43094673-C-T. GRCh37 (hg19) VCF-style: chr17-41246690-C-T.
Other names: c.645G>A, p.Glu215= (NM_001407571.1, NM_001407853.1, NM_001407894.1 and 9 more transcripts); c.858G>A, p.Glu286= (NM_001407581.1, NM_001407582.1, NM_001407583.1 and 30 more transcripts); c.855G>A, p.Glu285= (NM_001407587.1, NM_001407590.1, NM_001407591.1 and 22 more transcripts); c.849G>A, p.Glu283= (NM_001407646.1, NM_001407647.1); c.735G>A, p.Glu245= (NM_001407648.1, NM_001407664.1, NM_001407665.1 and 19 more transcripts); c.732G>A, p.Glu244= (NM_001407649.1, NM_001407670.1, NM_001407671.1 and 11 more transcripts); c.780G>A, p.Glu260= (NM_001407653.1, NM_001407654.1, NM_001407655.1 and 4 more transcripts); c.777G>A, p.Glu259= (NM_001407659.1, NM_001407660.1, NM_001407661.1 and 1 more transcripts); and 40 more.
Identifiers: ClinVar variation 1104640 (VCV001104640.16), dbSNP rs2054034679, ClinGen allele CA500233357.

ClinVar aggregate classification (germline): Likely benign. Review status: criteria provided, multiple submitters, no conflicts (2 of 4 stars). 4 submissions from 4 submitters: Likely benign (4). Last evaluated 2025-12-16.

Conditions:
Hereditary cancer-predisposing syndrome. Also called: Hereditary neoplastic syndrome; Neoplastic Syndromes, Hereditary; Tumor predisposition; Hereditary Cancer Syndrome. Identifiers: Orphanet 140162, MedGen C0027672, MeSH D009386, MONDO:0015356.
Breast-ovarian cancer, familial, susceptibility to, 1 (BROVCA1). Also called: OVARIAN CANCER, SUSCEPTIBILITY TO; BRCA1 Hereditary Breast and Ovarian Cancer. Identifiers: Orphanet 145, MedGen C2676676, MONDO:0011450, OMIM 604370. Disease mechanism: loss of function.
Hereditary breast ovarian cancer syndrome. Also called: Hereditary breast and ovarian cancer syndrome (HBOC); Breast and ovarian cancer; Hereditary breast and ovarian cancer syndrome; Hereditary breast and/or ovarian cancer syndrome; Hereditary breast and ovarian cancer; BRCA1- and BRCA2-Associated Hereditary Breast and Ovarian Cancer. Identifiers: Orphanet 145, MedGen C0677776, MeSH D061325, MONDO:0003582. Disease mechanism: loss of function.

Allele frequency attached by ClinVar (database versions not stated): gnomAD exomes below 0.00001; TOPMed below 0.00001.
gnomAD v4.1: 2 of 1,614,022 alleles (0.00012%); highest among the groups gnomAD compares: Non-Finnish European, 0.00017%; no homozygotes.

Submissions (4):

Labcorp Genetics (formerly Invitae), Labcorp
Classification: Likely benign for Hereditary breast ovarian cancer syndrome. Last evaluated: 2025-12-16. Review status: criteria provided, single submitter. Criteria: Invitae Variant Classification Sherloc (09022015). Collection method: clinical testing. Allele origin: germline.

All of Us Research Program, National Institutes of Health
Classification: Likely benign for Breast-ovarian cancer, familial, susceptibility to, 1. Last evaluated: 2023-03-23. Review status: criteria provided, single submitter. Criteria: ACMG Guidelines, 2015. Collection method: clinical testing. Allele origin: germline. Inheritance: Autosomal dominant inheritance. Observed: 1 variant allele, 1 heterozygote.
Comment: This study involves interpretation of variants in research participants for the purpose of population health screening. Participant phenotype was not available at the time of variant classification. Additional details can be found in publication PMID: 35346344, PMCID: PMC8962531

Ambry Genetics
Classification: Likely benign for Hereditary cancer-predisposing syndrome. Last evaluated: 2022-11-19. Review status: criteria provided, single submitter. Criteria: Ambry Variant Classification Scheme 2023. Collection method: clinical testing. Allele origin: germline.

GeneDx
Classification: Likely benign. Last evaluated: 2019-12-27. Review status: criteria provided, single submitter. Criteria: GeneDx Variant Classification Process June 2021. Collection method: clinical testing. Allele origin: germline. Affected: yes.
Comment: Not observed in large population cohorts (Lek et al., 2016); Has not been previously published as pathogenic or benign to our knowledge